The following is an entry in ClinVar:

NM_000051.4(ATM):c.1989A>G (p.Leu663=)

Gene: ATM (ATM serine/threonine kinase; plus strand). Cytogenetic location: 11q22.3.
Variant type: single nucleotide variant.
Coding change: c.1989A>G on transcript NM_000051.4 (MANE Select); coding-DNA position 1989, A replaced by G.
Protein change: p.Leu663=; no amino-acid change (leucine 663 retained).
Molecular consequence: synonymous variant.
Genome position (GRCh38, 1-based): chr11:108,253,904, A>G. VCF-style: chr11-108253904-A-G. GRCh37 (hg19) VCF-style: chr11-108124631-A-G.
Other names: c.1989A>G, p.Leu663= (NM_001351834.2).
Identifiers: ClinVar variation 186174 (VCV000186174.13), dbSNP rs786202748, ClinGen allele CA194064.
Genomic context (GRCh38, chr11:108,253,904, plus strand): 5'-TTCATTCTCAGAAGTAGAAGAACTATTTCTTCAGACAACTTTTGACAAGATGGACTTTTT[A>G]ACCATTGTGAGAGAATGTGGTATAGAAAAGCACCAGTCCAGTATTGGCTTCTCTGTCCAC-3'
Protein context (NP_000042.3, residues 653-673): LQTTFDKMDF[Leu663=]TIVRECGIEK

ClinVar aggregate classification (germline): Benign/Likely benign. Review status: criteria provided, multiple submitters, no conflicts (2 of 4 stars). 4 submissions from 4 submitters: Benign (1); Likely benign (3). Last evaluated 2025-04-30.

Conditions:
Familial cancer of breast. Also called: BREAST CANCER, FAMILIAL; Hereditary breast cancer; hereditary breast carcinoma. Identifiers: Orphanet 227535, MedGen C0346153, MONDO:0016419, OMIM 114480. Disease mechanism: loss of function.
Hereditary cancer-predisposing syndrome. Also called: Hereditary Cancer Syndrome; Neoplastic Syndromes, Hereditary; Tumor predisposition; Hereditary neoplastic syndrome. Identifiers: Orphanet 140162, MedGen C0027672, MeSH D009386, MONDO:0015356.
Ataxia-telangiectasia syndrome (AT). Also called: Ataxia-telangiectasia, complementation group D; AT, COMPLEMENTATION GROUP C; ATAXIA-TELANGIECTASIA, COMPLEMENTATION GROUP A; ATAXIA-TELANGIECTASIA, FRESNO VARIANT; Ataxia-telangiectasia; LOUIS-BAR SYNDROME. Identifiers: Orphanet 100, MedGen C0004135, MONDO:0008840, OMIM 208900.

Allele frequency attached by ClinVar (database versions not stated): TOPMed below 0.00001; gnomAD exomes 0.00001.
gnomAD v4.1: 3 of 1,614,096 alleles (0.00019%); highest among the groups gnomAD compares: Non-Finnish European, 0.00025%; no homozygotes.

Submissions (4):

Labcorp Genetics (formerly Invitae), Labcorp
Classification: Likely benign for Ataxia-telangiectasia syndrome. Last evaluated: 2025-04-30. Review status: criteria provided, single submitter. Criteria: Invitae Variant Classification Sherloc (09022015). Collection method: clinical testing. Allele origin: germline.

Myriad Genetics, Inc.
Classification: Benign for Familial cancer of breast. Last evaluated: 2024-05-02. Review status: criteria provided, single submitter. Criteria: Myriad Autosomal Dominant, Autosomal Recessive and X-Linked Classification Criteria (2023). Collection method: clinical testing. Allele origin: unknown.
Comment: This variant is considered benign. This variant is a silent/synonymous amino acid change and it is not expected to impact splicing.

GeneDx
Classification: Likely benign. Last evaluated: 2016-12-30. Review status: criteria provided, single submitter. Criteria: GeneDx Variant Classification (06012015). Collection method: clinical testing. Allele origin: germline. Affected: yes.
Comment: This variant is considered likely benign or benign based on one or more of the following criteria: it is a conservative change, it occurs at a poorly conserved position in the protein, it is predicted to be benign by multiple in silico algorithms, and/or has population frequency not consistent with disease.

Ambry Genetics
Classification: Likely benign for Hereditary cancer-predisposing syndrome. Last evaluated: 2014-09-08. Review status: criteria provided, single submitter. Criteria: Ambry Variant Classification Scheme 2023. Collection method: clinical testing. Allele origin: germline.